The following is an entry in ClinVar:

NM_000257.4(MYH7):c.3699C>T (p.Ser1233=)

Gene: MYH7 (myosin heavy chain 7; minus strand). Cytogenetic location: 14q11.2.
Variant type: single nucleotide variant.
Coding change: c.3699C>T on transcript NM_000257.4 (MANE Select); coding-DNA position 3699, C replaced by T.
Protein change: p.Ser1233=; no amino-acid change (serine 1233 retained).
Molecular consequence: synonymous variant.
Genome position (GRCh38, 1-based): chr14:23,419,872, G>A on the plus strand (C>T on the coding strand, the complement: MYH7 is on the minus strand). VCF-style: chr14-23419872-G-A. GRCh37 (hg19) VCF-style: chr14-23889081-G-A.
Identifiers: ClinVar variation 921332 (VCV000921332.3), dbSNP rs1892397909, ClinGen allele CA485766634.
Genomic context (GRCh38, chr14:23,419,872, plus strand): 5'-AAGTTGGAGGAGGGGAGGCCGAGCAGAGCCTGCCTTGGCCTTGATGATCTGCTCCATGTT[G>A]GAGGTGACGTCATCCAGCTCCAGCTTGAACTCGCTCTTCTCCTTCTCCAGCTTCTGCTTC-3'
Protein context (NP_000248.2, residues 1223-1243): EFKLELDDVT[Ser1233=]NMEQIIKAKA

ClinVar aggregate classification (germline): Likely benign. Review status: criteria provided, multiple submitters, no conflicts (2 of 4 stars). 2 submissions from 2 submitters: Likely benign (2). Last evaluated 2024-03-24.

Conditions:
Cardiomyopathy (CMYO). Also called: Cardiomyopathies. Identifiers: Orphanet 167848, MedGen C0878544, MONDO:0004994, HP:0001638. Inheritance: Various modes of inheritance.

Submissions (2):

All of Us Research Program, National Institutes of Health
Classification: Likely benign for Cardiomyopathy. Last evaluated: 2024-03-24. Review status: criteria provided, single submitter. Criteria: ACMG Guidelines, 2015. Collection method: clinical testing. Allele origin: germline. Inheritance: Autosomal dominant inheritance. Observed: 1 variant allele, 1 heterozygote.
Comment: This study involves interpretation of variants in research participants for the purpose of population health screening. Participant phenotype was not available at the time of variant classification. Additional details can be found in publication PMID: 35346344, PMCID: PMC8962531

Color Diagnostics, LLC DBA Color Health
Classification: Likely benign for Cardiomyopathy. Last evaluated: 2018-12-10. Review status: criteria provided, single submitter. Criteria: ACMG Guidelines, 2015. Collection method: clinical testing. Allele origin: germline.